The following is an entry in ClinVar:

ClinVar aggregate classification (germline): Uncertain significance (1 of 4 stars; one submission).

Conditions:
SEMA3A-related disorder. Also called: SEMA3A-related condition.

Submission:

PreventionGenetics, part of Exact Sciences
Classification: Uncertain significance for SEMA3A-related condition. Last evaluated: 2025-02-07. Review status: criteria provided, single submitter. Criteria: ACMG Guidelines, 2015. Collection method: clinical testing. Allele origin: germline.
Comment: The SEMA3A c.2173G>A variant is predicted to result in the amino acid substitution p.Val725Ile. To our knowledge, this variant has not been reported in the literature or in a large population database (gnomAD), indicating this variant is rare. At this time, the clinical significance of this variant is uncertain due to the absence of conclusive functional and genetic evidence.

NM_006080.3(SEMA3A):c.2173G>A (p.Val725Ile)

Gene: SEMA3A (semaphorin 3A; minus strand). Cytogenetic location: 7q21.11.
Variant type: single nucleotide variant.
Coding change: c.2173G>A on transcript NM_006080.3 (MANE Select); coding-DNA position 2173, G replaced by A.
Protein change: p.Val725Ile; replaces valine 725 with isoleucine.
Molecular consequence: missense variant.
Genome position (GRCh38, 1-based): chr7:83,961,514, C>T on the plus strand (G>A on the coding strand, the complement: SEMA3A is on the minus strand). VCF-style: chr7-83961514-C-T. GRCh37 (hg19) VCF-style: chr7-83590830-C-T.
Other names: short protein forms V725I.
Identifiers: ClinVar variation 5002308 (VCV005002308.1).